The following is an entry in ClinVar:

NM_017637.6(BNC2):c.2290A>G (p.Ser764Gly)

Genes: BNC2 (basonuclin zinc finger protein 2; minus strand), LOC126860585 (MED14-independent group 3 enhancer GRCh37_chr9:16435259-16436458; plus strand). Cytogenetic location: 9p22.3.
Variant type: single nucleotide variant.
Coding change: c.2290A>G on transcript NM_017637.6 (MANE Select); coding-DNA position 2290, A replaced by G.
Protein change: p.Ser764Gly; replaces serine 764 with glycine.
Molecular consequence: missense variant.
Genome position (GRCh38, 1-based): chr9:16,435,904, T>C on the plus strand (A>G on the coding strand, the complement: BNC2 is on the minus strand). VCF-style: chr9-16435904-T-C. GRCh37 (hg19) VCF-style: chr9-16435902-T-C.
Other names: c.2164A>G, p.Ser722Gly (NM_001317939.2); c.2005A>G, p.Ser669Gly (NM_001317940.2); short protein forms S669G, S722G, S764G.
Identifiers: ClinVar variation 2896274 (VCV002896274.3), dbSNP rs199800113, ClinGen allele CA4995925.
Genomic context (GRCh38, chr9:16,435,904, plus strand): 5'-CGTAAGTGGGGTCTGTAAATTCTTCCTTCACCTTGATGACGTCCTGGTGAGAGGGCTCAC[T>C]GTGGTTCTCATCAGGCCTCTCACTATTCATCAGGACTTTTTCACTCACTTCGCTGTGAAT-3'
Protein context (NP_060107.3, residues 754-774): MNSERPDENH[Ser764Gly]EPSHQDVIKV

ClinVar aggregate classification (germline): Uncertain significance (1 of 4 stars; one submission).

Allele frequency attached by ClinVar (database versions not stated): TOPMed 0.00004; ExAC 0.00009; gnomAD 0.00013.
gnomAD v4.1: 98 of 1,613,958 alleles (0.0061%); highest among the groups gnomAD compares: Non-Finnish European, 0.008%; no homozygotes.

Submission:

Labcorp Genetics (formerly Invitae), Labcorp
Classification: Uncertain significance. Last evaluated: 2023-08-24. Review status: criteria provided, single submitter. Criteria: Invitae Variant Classification Sherloc (09022015). Collection method: clinical testing. Allele origin: germline.
Comment: This sequence change replaces serine, which is neutral and polar, with glycine, which is neutral and non-polar, at codon 764 of the BNC2 protein (p.Ser764Gly). In summary, the available evidence is currently insufficient to determine the role of this variant in disease. Therefore, it has been classified as a Variant of Uncertain Significance. An algorithm developed to predict the effect of missense changes on protein structure and function (PolyPhen-2) suggests that this variant is likely to be tolerated. This variant is present in population databases (rs199800113, gnomAD 0.02%). This variant has not been reported in the literature in individuals affected with BNC2-related conditions.